The following is an entry in ClinVar:

ClinVar aggregate classification (germline): Uncertain significance (1 of 4 stars; one submission).

Allele frequency attached by ClinVar (database versions not stated): gnomAD exomes below 0.00001.
gnomAD v4.1: 1 of 1,614,112 alleles (0.000062%); highest among the groups gnomAD compares: Admixed American, 0.0017%; no homozygotes.

Submission:

Labcorp Genetics (formerly Invitae), Labcorp
Classification: Uncertain significance. Last evaluated: 2020-10-20. Review status: criteria provided, single submitter. Criteria: Invitae Variant Classification Sherloc (09022015). Collection method: clinical testing. Allele origin: germline.
Comment: This sequence change replaces proline with alanine at codon 362 of the IFNAR2 protein (p.Pro362Ala). The proline residue is moderately conserved and there is a small physicochemical difference between proline and alanine. This variant is not present in population databases (ExAC no frequency). This variant has not been reported in the literature in individuals with IFNAR2-related conditions. Algorithms developed to predict the effect of missense changes on protein structure and function are either unavailable or do not agree on the potential impact of this missense change (SIFT: "Tolerated"; PolyPhen-2: "Probably Damaging"; Align-GVGD: "Class C0"). In summary, the available evidence is currently insufficient to determine the role of this variant in disease. Therefore, it has been classified as a Variant of Uncertain Significance.

NM_001289125.3(IFNAR2):c.1084C>G (p.Pro362Ala)

Genes: IFNAR2 (interferon alpha and beta receptor subunit 2; plus strand), IFNAR2-IL10RB (IFNAR2-IL10RB readthrough; plus strand). Cytogenetic location: 21q22.11.
Variant type: single nucleotide variant.
Coding change: c.1084C>G on transcript NM_001289125.3 (MANE Select); coding-DNA position 1084, C replaced by G.
Protein change: p.Pro362Ala; replaces proline 362 with alanine.
Molecular consequence: missense variant. On other transcripts: 3 prime UTR variant (5).
Genome position (GRCh38, 1-based): chr21:33,263,036, C>G. VCF-style: chr21-33263036-C-G. GRCh37 (hg19) VCF-style: chr21-34635341-C-G.
Other names: c.*320C>G (NM_000874.5, NM_207584.3); c.*233C>G (NM_001289126.2, NM_001289128.2); c.*459C>G (NM_001385054.1); c.1084C>G, p.Pro362Ala (NM_001385055.1, NM_207585.3); short protein forms P362A.
Identifiers: ClinVar variation 1063769 (VCV001063769.9), dbSNP rs1441207963, ClinGen allele CA410105125.